The following is an entry in ClinVar:

ClinVar aggregate classification (germline): Uncertain significance (1 of 4 stars; one submission).

Submission:

Labcorp Genetics (formerly Invitae), Labcorp
Classification: Uncertain significance. Last evaluated: 2021-09-15. Review status: criteria provided, single submitter. Criteria: Invitae Variant Classification Sherloc (09022015). Collection method: clinical testing. Allele origin: germline.
Comment: This sequence change replaces threonine with arginine at codon 182 of the CIB1 protein (p.Thr182Arg). The threonine residue is highly conserved and there is a moderate physicochemical difference between threonine and arginine. This variant is not present in population databases (ExAC no frequency). This variant has not been reported in the literature in individuals affected with CIB1-related conditions. Algorithms developed to predict the effect of missense changes on protein structure and function are either unavailable or do not agree on the potential impact of this missense change (SIFT: "Deleterious"; PolyPhen-2: "Not Available"; Align-GVGD: "Class C0"). In summary, the available evidence is currently insufficient to determine the role of this variant in disease. Therefore, it has been classified as a Variant of Uncertain Significance.

NM_006384.4(CIB1):c.425C>G (p.Thr142Arg)

Gene: CIB1 (calcium and integrin binding 1; minus strand). Cytogenetic location: 15q26.1.
Variant type: single nucleotide variant.
Coding change: c.425C>G on transcript NM_006384.4 (MANE Select); coding-DNA position 425, C replaced by G.
Protein change: p.Thr142Arg; replaces threonine 142 with arginine.
Molecular consequence: missense variant. On other transcripts: non-coding transcript variant (2).
Genome position (GRCh38, 1-based): chr15:90,231,135, G>C on the plus strand (C>G on the coding strand, the complement: CIB1 is on the minus strand). VCF-style: chr15-90231135-G-C. GRCh37 (hg19) VCF-style: chr15-90774367-G-C.
Other names: c.545C>G, p.Thr182Arg (NM_001277764.2); short protein forms T142R, T182R.
Identifiers: ClinVar variation 1519476 (VCV001519476.6), dbSNP rs2151634758, ClinGen allele CA393813867.
Genomic context (GRCh38, chr15:90,231,135, plus strand): 5'-AGGCCTGCTCAGCTGCTCACGTTGTCGATGAGCTGCTTCATCTCAGACGCACTAAGCCGT[G>C]TGTCCTCGCCCTCTCCCGTGAGGCAGTTCACCAGCCGGCTCAGGTCTTCTCTGTTCAAGG-3'
Protein context (NP_006375.2, residues 132-152): VNCLTGEGED[Thr142Arg]RLSASEMKQL